The following is an entry in ClinVar:

ClinVar aggregate classification (germline): Uncertain significance (1 of 4 stars; one submission).

Submission:

GeneDx
Classification: Uncertain significance. Last evaluated: 2021-08-26. Review status: criteria provided, single submitter. Criteria: GeneDx Variant Classification Process June 2021. Collection method: clinical testing. Allele origin: germline. Affected: yes.
Comment: Has not been previously published as pathogenic or benign to our knowledge; Not observed at significant frequency in large population cohorts (Lek et al., 2016); In silico analysis supports that this missense variant has a deleterious effect on protein structure/function

NM_006514.4(SCN10A):c.3623A>T (p.Tyr1208Phe)

Gene: SCN10A (sodium voltage-gated channel alpha subunit 10; minus strand). Cytogenetic location: 3p22.2.
Variant type: single nucleotide variant.
Coding change: c.3623A>T on transcript NM_006514.4 (MANE Select); coding-DNA position 3623, A replaced by T.
Protein change: p.Tyr1208Phe; replaces tyrosine 1208 with phenylalanine.
Molecular consequence: missense variant.
Genome position (GRCh38, 1-based): chr3:38,718,711, T>A on the plus strand (A>T on the coding strand, the complement: SCN10A is on the minus strand). VCF-style: chr3-38718711-T-A. GRCh37 (hg19) VCF-style: chr3-38760202-T-A.
Other names: c.3620A>T, p.Tyr1207Phe (NM_001293306.2); c.3329A>T, p.Tyr1110Phe (NM_001293307.2); short protein forms Y1110F, Y1207F, Y1208F.
Identifiers: ClinVar variation 1254429 (VCV001254429.2), dbSNP rs2125994429, ClinGen allele CA352152972.
Genomic context (GRCh38, chr3:38,718,711, plus strand): 5'-ACATTCACAATGAGGAAGTCCAGCCAGCACCAGGCATTGGTGAAGTACTTTTTGAAGCCA[T>A]AGGCCACCCACTTAAGCAGCATCTCGAACACAAAGATAAAGGTGAAGACCCTGTCAGTGT-3'
Protein context (NP_006505.4, residues 1198-1218): VFEMLLKWVA[Tyr1208Phe]GFKKYFTNAW